The following is an entry in ClinVar:

ClinVar aggregate classification (germline): Uncertain significance (1 of 4 stars; one submission).

Conditions:
NSDHL-related disorder. Also called: NSDHL-related condition; NSDHL-Related Disorders. Identifiers: MedGen CN381535.

Submission:

PreventionGenetics, part of Exact Sciences
Classification: Uncertain significance for NSDHL-related condition. Last evaluated: 2023-07-31. Review status: criteria provided, single submitter. Criteria: ACMG Guidelines, 2015. Collection method: clinical testing. Allele origin: germline.
Comment: The NSDHL c.802A>G variant is predicted to result in the amino acid substitution p.Thr268Ala. To our knowledge, this variant has not been reported in the literature or in a large population database, indicating this variant is rare. Although we suspect that this variant may be pathogenic, at this time, the clinical significance of this variant is uncertain due to the absence of conclusive functional and genetic evidence.

NM_015922.3(NSDHL):c.802A>G (p.Thr268Ala)

Gene: NSDHL (NAD(P) dependent 3-beta-hydroxysteroid dehydrogenase NSDHL; plus strand). Cytogenetic location: Xq28.
Variant type: single nucleotide variant.
Coding change: c.802A>G on transcript NM_015922.3 (MANE Select); coding-DNA position 802, A replaced by G.
Protein change: p.Thr268Ala; replaces threonine 268 with alanine.
Molecular consequence: missense variant.
Genome position (GRCh38, 1-based): chrX:152,868,796, A>G. VCF-style: chrX-152868796-A-G. GRCh37 (hg19) VCF-style: chrX-152037340-A-G.
Other names: c.802A>G, p.Thr268Ala (NM_001129765.2); short protein forms T268A.
Identifiers: ClinVar variation 2631217 (VCV002631217.1), dbSNP rs2521816962, ClinGen allele CA415287063.